The following is an entry in ClinVar:

NM_001267550.2(TTN):c.82350T>G (p.Tyr27450Ter)

Genes: TTN-AS1 (TTN antisense RNA 1; plus strand), TTN (titin; minus strand). Cytogenetic location: 2q31.2.
Variant type: single nucleotide variant.
Coding change: c.82350T>G on transcript NM_001267550.2 (MANE Select); coding-DNA position 82350, T replaced by G.
Protein change: p.Tyr27450Ter; replaces tyrosine 27450 with a stop codon.
Molecular consequence: nonsense.
Genome position (GRCh38, 1-based): chr2:178,563,782, A>C on the plus strand (T>G on the coding strand, the complement: TTN is on the minus strand). VCF-style: chr2-178563782-A-C. GRCh37 (hg19) VCF-style: chr2-179428509-A-C.
Other names: c.77427T>G, p.Tyr25809Ter (NM_001256850.1); c.55155T>G, p.Tyr18385Ter (NM_003319.4); c.74646T>G, p.Tyr24882Ter (NM_133378.4); c.55530T>G, p.Tyr18510Ter (NM_133432.3); c.55731T>G, p.Tyr18577Ter (NM_133437.4); short protein forms Y27450*, Y18385*, Y18510*, Y24882*, Y25809*, Y18577*.
Identifiers: ClinVar variation 535022 (VCV000535022.9), dbSNP rs1060503941, ClinGen allele CA349573976.
Genomic context (GRCh38, chr2:178,563,782, plus strand): 5'-TGGTGGCTTATAAGGATTACAGGCCGTAACAGGCCCAGATTCCAAGGGCTCTCCAATTCC[A>C]TATTTATTCACAGCCATGACACGGAAAATGTACTCATTACCAGGAAGAAGTTTAGTAACT-3'

ClinVar aggregate classification (germline): Likely pathogenic (1 of 4 stars; one submission).

Conditions:
Autosomal recessive limb-girdle muscular dystrophy type 2J (LGMDR10). Also called: Limb-girdle muscular dystrophy, type 2J; MUSCULAR DYSTROPHY, LIMB-GIRDLE, AUTOSOMAL RECESSIVE 10. Identifiers: Orphanet 140922, MedGen C1837342, MONDO:0012127, OMIM 608807.
Dilated cardiomyopathy 1G (CMD1G). Identifiers: Orphanet 154, MedGen C1858763, MONDO:0011400, OMIM 604145.

Submission:

Labcorp Genetics (formerly Invitae), Labcorp
Classification: Likely pathogenic for Dilated cardiomyopathy 1G; Autosomal recessive limb-girdle muscular dystrophy type 2J. Last evaluated: 2023-05-04. Review status: criteria provided, single submitter. Criteria: Invitae Variant Classification Sherloc (09022015). Collection method: clinical testing. Allele origin: germline.
Comment: This sequence change creates a premature translational stop signal (p.Tyr27450*) in the TTN gene. While this is not anticipated to result in nonsense mediated decay, it is expected to create a truncated TTN protein. This variant is not present in population databases (gnomAD no frequency). This variant has not been reported in the literature in individuals affected with TTN-related conditions. ClinVar contains an entry for this variant (Variation ID: 535022). This variant is located in the A band of TTN (PMID: 25589632). Truncating variants in this region are significantly overrepresented in patients affected with dilated cardiomyopathy (PMID: 25589632). Truncating variants in this region have also been reported in individuals affected with autosomal recessive centronuclear myopathy (PMID: 23975875). In summary, the currently available evidence indicates that the variant is pathogenic, but additional data are needed to prove that conclusively. Therefore, this variant has been classified as Likely Pathogenic.

Literature cited by the submitters: PubMed 25589632; PubMed 23975875.